The following is an entry in ClinVar:

ClinVar aggregate classification (germline): Pathogenic (1 of 4 stars; one submission).

Conditions:
Polycystic kidney disease, adult type (PKD1). Also called: Polycystic Kidney Disease 1, Autosomal Dominant; Polycystic kidney disease 1; Polycystic kidney disease 1, severe; Polycystic Kidney, Autosomal Dominant; POLYCYSTIC KIDNEY DISEASE 1 WITH OR WITHOUT POLYCYSTIC LIVER DISEASE; POLYCYSTIC KIDNEY DISEASE, ADULT, TYPE I. Identifiers: MedGen C3149841, MONDO:0008263, OMIM 173900.

Submission:

MVZ Medizinische Genetik Mainz
Classification: Pathogenic for Polycystic kidney disease, adult type. Last evaluated: 2022-11-03. Review status: criteria provided, single submitter. Criteria: UK Practice Guidelines For Variant Classification V4 01 2020. Collection method: clinical testing. Allele origin: germline. Inheritance: Autosomal dominant inheritance. Affected: yes. Observed: 1 variant allele.
Comment: ACMG Criteria: PVS1, PM2_SUP, PP4 (ACMG Version 4)

NM_001009944.3(PKD1):c.11995_11996dup (p.Leu3999fs)

Gene: PKD1 (polycystin 1, transient receptor potential channel interacting; minus strand). Cytogenetic location: 16p13.3.
Variant type: Duplication.
Coding change: c.11995_11996dup on transcript NM_001009944.3 (MANE Select); coding-DNA positions 11995 to 11996, 2 bases duplicated (TT; older notation c.11995_11996dupTT).
Protein change: p.Leu3999fs; shifts the reading frame from leucine 3999.
Molecular consequence: frameshift variant.
Genome position (GRCh38, 1-based): chr16:2,090,891-2,090,892, AA duplicated on the plus strand (TT on the coding strand, the reverse complement: PKD1 is on the minus strand); duplicating any 2 consecutive bases within chr16:2,090,891-2,090,894 gives the same sequence; the c. name uses the placement nearest the transcript's 3' end. VCF-style (leftmost placement, unchanged base first): chr16-2090890-C-CAA. GRCh37 (hg19) VCF-style: chr16-2140891-C-CAA.
Other names: c.11992_11993dup, p.Leu3998fs (NM_000296.4); short protein forms L3998fs, L3999fs.
Identifiers: ClinVar variation 3236776 (VCV003236776.1), dbSNP rs2544596335.
Genomic context (GRCh38, chr16:2,090,890, plus strand): 5'-GCTTGCAGCCCTGGGGTGTGCGCCCAGCCCCGCGCCCACCGGCCCAGCCCTCACCTTGAC[C>CAA]AAAAGCAGGAAGAGCAGCGAGGCCGCCAGGCCACGGGCTGCGGAGCTCAGCTGCGCCACC-3'